The following is an entry in ClinVar:

ClinVar aggregate classification (germline): Uncertain significance (1 of 4 stars; one submission).

Submission:

Labcorp Genetics (formerly Invitae), Labcorp
Classification: Uncertain significance. Last evaluated: 2025-11-10. Review status: criteria provided, single submitter. Criteria: Invitae Variant Classification Sherloc (09022015). Collection method: clinical testing. Allele origin: germline.
Comment: This sequence change affects codon 47 of the CLCN7 mRNA. It is a 'silent' change, meaning that it does not change the encoded amino acid sequence of the CLCN7 protein. This variant also falls at the last nucleotide of exon 1, which is part of the consensus splice site for this exon. This variant is not present in population databases (gnomAD no frequency). This variant has not been reported in the literature in individuals affected with CLCN7-related conditions. Variants that disrupt the consensus splice site are a relatively common cause of aberrant splicing (PMID: 17576681, 9536098). Algorithms developed to predict the effect of sequence changes on RNA splicing suggest that this variant may disrupt the consensus splice site. In summary, the available evidence is currently insufficient to determine the role of this variant in disease. Therefore, it has been classified as a Variant of Uncertain Significance.

Literature cited by the submitters: PubMed 17576681; PubMed 9536098.

NM_001287.6(CLCN7):c.141G>A (p.Gln47=)

Genes: CLCN7 (chloride voltage-gated channel 7; minus strand), LOC130058166 (ATAC-STARR-seq lymphoblastoid silent region 6986; plus strand). Cytogenetic location: 16p13.3.
Variant type: single nucleotide variant.
Coding change: c.141G>A on transcript NM_001287.6 (MANE Select); coding-DNA position 141, G replaced by A.
Protein change: p.Gln47=; no amino-acid change (glutamine 47 retained).
Molecular consequence: synonymous variant.
Genome position (GRCh38, 1-based): chr16:1,474,834, C>T on the plus strand (G>A on the coding strand, the complement: CLCN7 is on the minus strand). VCF-style: chr16-1474834-C-T. GRCh37 (hg19) VCF-style: chr16-1524835-C-T.
Other names: c.141G>A, p.Gln47= (NM_001114331.3).
Identifiers: ClinVar variation 4730895 (VCV004730895.1).